The following is an entry in ClinVar:

ClinVar aggregate classification (germline): Likely benign. Review status: criteria provided, multiple submitters, no conflicts (2 of 4 stars). 3 submissions from 3 submitters: Likely benign (2). 1 of the submissions does not count toward it. Last evaluated 2025-06-04.

Conditions:
MFRP-related disorder. Also called: MFRP-related condition; MFRP-related disorders.
Isolated microphthalmia 5. Also called: Posterior Microphthalmia with Retinitis Pigmentosa, Foveoschisis, and Optic Disc Drusen. Identifiers: Orphanet 251279, MedGen C1970236, MONDO:0012605, OMIM 611040.

Allele frequency attached by ClinVar (database versions not stated): ESP Exome Variant Server 0.00031; gnomAD exomes 0.00029 and 0.00013; gnomAD 0.00009; TOPMed 0.00009; ExAC 0.00017.

Submissions (3):

Labcorp Genetics (formerly Invitae), Labcorp
Classification: Likely benign for Isolated microphthalmia 5. Last evaluated: 2025-06-04. Review status: criteria provided, single submitter. Criteria: Invitae Variant Classification Sherloc (09022015). Collection method: clinical testing. Allele origin: germline.

Blueprint Genetics
Classification: Likely benign. Last evaluated: 2024-07-02. Review status: criteria provided, single submitter. Criteria: ACMG Guidelines, 2015. Collection method: clinical testing. Allele origin: germline.

PreventionGenetics, part of Exact Sciences
Classification: Likely benign for MFRP-related condition. Last evaluated: 2019-05-30. Review status: no assertion criteria provided. Collection method: clinical testing. Allele origin: germline. Not counted in ClinVar's aggregate classification.
Comment: This variant is classified as likely benign based on ACMG/AMP sequence variant interpretation guidelines (Richards et al. 2015 PMID: 25741868, with internal and published modifications).

NM_031433.4(MFRP):c.1497G>A (p.Glu499=)

Genes: C1QTNF5 (C1q and TNF related 5; minus strand), MFRP (membrane frizzled-related protein; minus strand). Cytogenetic location: 11q23.3.
Variant type: single nucleotide variant.
Coding change: c.1497G>A on transcript NM_031433.4 (MANE Select); coding-DNA position 1497, G replaced by A.
Protein change: p.Glu499=; no amino-acid change (glutamic acid 499 retained).
Molecular consequence: synonymous variant. On other transcripts: 5 prime UTR variant (1).
Genome position (GRCh38, 1-based): chr11:119,341,875, C>T on the plus strand (G>A on the coding strand, the complement: MFRP is on the minus strand). VCF-style: chr11-119341875-C-T. GRCh37 (hg19) VCF-style: chr11-119212585-C-T.
Other names: c.-1140G>A (NM_015645.5).
Identifiers: ClinVar variation 1094703 (VCV001094703.12), dbSNP rs375425631, ClinGen allele CA6320090.